The following is an entry in ClinVar:

NM_000747.3(CHRNB1):c.1217+86T>C

Gene: CHRNB1 (cholinergic receptor nicotinic beta 1 subunit; plus strand). Cytogenetic location: 17p13.1.
Variant type: single nucleotide variant.
Coding change: c.1217+86T>C on transcript NM_000747.3 (MANE Select); 86 bases into the intron after coding-DNA position 1217, T replaced by C.
Molecular consequence: intron variant.
Genome position (GRCh38, 1-based): chr17:7,455,542, T>C. VCF-style: chr17-7455542-T-C. GRCh37 (hg19) VCF-style: chr17-7358861-T-C.
Identifiers: ClinVar variation 679143 (VCV000679143.2), dbSNP rs2302762, ClinGen allele CA14472732.
Genomic context (GRCh38, chr17:7,455,542, plus strand): 5'-AAGAGGGAGAGGGAGAACTACAGTTCCCAGAAGAGTGTGCGGAAGAAGCGGCCCATGCTC[T>C]CGGAAGACGCTGTGGTTGAGCATCATGGGAGTTGTAGTACTCCTGCTGCTCACTTTGAGG-3'

ClinVar aggregate classification (germline): Benign. Review status: criteria provided, multiple submitters, no conflicts (2 of 4 stars). 2 submissions from 2 submitters: Benign (2). Last evaluated 2018-06-16.

Allele frequency attached by ClinVar (database versions not stated): 1000 Genomes Project 0.47604; 1000 Genomes Project 30x 0.47829; TOPMed 0.58294; gnomAD 0.59943; gnomAD exomes 0.69085.
gnomAD v4.1: 1,040,167 of 1,527,408 alleles (68%); highest among the groups gnomAD compares: Non-Finnish European, 73%; 364,322 homozygotes.

Submissions (2):

GeneDx
Classification: Benign. Last evaluated: 2018-06-16. Review status: criteria provided, single submitter. Criteria: GeneDx Variant Classification (06012015). Collection method: clinical testing. Allele origin: germline. Affected: yes.
Comment: This variant is considered likely benign or benign based on one or more of the following criteria: it is a conservative change, it occurs at a poorly conserved position in the protein, it is predicted to be benign by multiple in silico algorithms, and/or has population frequency not consistent with disease.

Breakthrough Genomics
Classification: Benign. Review status: criteria provided, single submitter. Criteria: ACMG Guidelines, 2015. Collection method: not provided. Allele origin: germline. Inheritance: Autosomal recessive inheritance. Affected: yes.